The following is an entry in ClinVar:

ClinVar aggregate classification (germline): Uncertain significance. Review status: criteria provided, multiple submitters, no conflicts (2 of 4 stars). 3 submissions from 3 submitters: Uncertain significance (3). Last evaluated 2024-05-21.

Conditions:
Hereditary cancer-predisposing syndrome. Also called: Hereditary Cancer Syndrome; Neoplastic Syndromes, Hereditary; Tumor predisposition; Hereditary neoplastic syndrome. Identifiers: Orphanet 140162, MedGen C0027672, MeSH D009386, MONDO:0015356.
Familial adenomatous polyposis 1 (FAP1). Also called: POLYPOSIS, ADENOMATOUS INTESTINAL; FAMILIAL ADENOMATOUS POLYPOSIS 1, ATTENUATED. Identifiers: MedGen C2713442, MONDO:0021056, OMIM 175100. Disease mechanism: loss of function.

Submissions (3):

Labcorp Genetics (formerly Invitae), Labcorp
Classification: Uncertain significance for Familial adenomatous polyposis 1. Last evaluated: 2024-05-21. Review status: criteria provided, single submitter. Criteria: Invitae Variant Classification Sherloc (09022015). Collection method: clinical testing. Allele origin: germline.
Comment: This sequence change replaces proline, which is neutral and non-polar, with serine, which is neutral and polar, at codon 2094 of the APC protein (p.Pro2094Ser). This variant is not present in population databases (gnomAD no frequency). This variant has not been reported in the literature in individuals affected with APC-related conditions. ClinVar contains an entry for this variant (Variation ID: 489478). Advanced modeling of protein sequence and biophysical properties (such as structural, functional, and spatial information, amino acid conservation, physicochemical variation, residue mobility, and thermodynamic stability) performed at Invitae indicates that this missense variant is not expected to disrupt APC protein function with a negative predictive value of 95%. In summary, the available evidence is currently insufficient to determine the role of this variant in disease. Therefore, it has been classified as a Variant of Uncertain Significance.

Ambry Genetics
Classification: Uncertain significance for Hereditary cancer-predisposing syndrome. Last evaluated: 2024-01-02. Review status: criteria provided, single submitter. Criteria: Ambry Variant Classification Scheme 2023. Collection method: clinical testing. Allele origin: germline.
Comment: The p.P2094S variant (also known as c.6280C>T), located in coding exon 15 of the APC gene, results from a C to T substitution at nucleotide position 6280. The proline at codon 2094 is replaced by serine, an amino acid with similar properties. This amino acid position is highly conserved in available vertebrate species. In addition, in silico predictors for this gene do not accurately predict pathogenicity. Since supporting evidence is limited at this time, the clinical significance of this alteration remains unclear.

Color Diagnostics, LLC DBA Color Health
Classification: Uncertain significance for Hereditary cancer-predisposing syndrome. Last evaluated: 2019-02-11. Review status: criteria provided, single submitter. Criteria: ACMG Guidelines, 2015. Collection method: clinical testing. Allele origin: germline.

NM_000038.6(APC):c.6280C>T (p.Pro2094Ser)

Gene: APC (APC regulator of Wnt signaling pathway; plus strand). Cytogenetic location: 5q22.2.
Variant type: single nucleotide variant.
Coding change: c.6280C>T on transcript NM_000038.6 (MANE Select); coding-DNA position 6280, C replaced by T.
Protein change: p.Pro2094Ser; replaces proline 2094 with serine.
Molecular consequence: missense variant.
Genome position (GRCh38, 1-based): chr5:112,841,874, C>T. VCF-style: chr5-112841874-C-T. GRCh37 (hg19) VCF-style: chr5-112177571-C-T.
Other names: c.6280C>T, p.Pro2094Ser (NM_001127510.3, NM_001354895.2); c.6226C>T, p.Pro2076Ser (NM_001127511.3); c.6334C>T, p.Pro2112Ser (NM_001354896.2); c.6310C>T, p.Pro2104Ser (NM_001354897.2); c.6205C>T, p.Pro2069Ser (NM_001354898.2); c.6196C>T, p.Pro2066Ser (NM_001354899.2); c.6157C>T, p.Pro2053Ser (NM_001354900.2); c.6103C>T, p.Pro2035Ser (NM_001354901.2); and 5 more; short protein forms P2076S, P2094S, P1993S, P2112S, P1968S, P2069S, P2104S, P1811S.
Identifiers: ClinVar variation 489478 (VCV000489478.12), dbSNP rs775447624, ClinGen allele CA16035080.